The following is an entry in ClinVar:

NM_001363711.2(DUOX2):c.1574+2T>C

Gene: DUOX2 (dual oxidase 2; minus strand). Cytogenetic location: 15q21.1.
Variant type: single nucleotide variant.
Coding change: c.1574+2T>C on transcript NM_001363711.2 (MANE Select); the canonical splice donor site of the intron after coding-DNA position 1574, T replaced by C.
Molecular consequence: splice donor variant.
Genome position (GRCh38, 1-based): chr15:45,108,045, A>G on the plus strand (T>C on the coding strand, the complement: DUOX2 is on the minus strand). VCF-style: chr15-45108045-A-G. GRCh37 (hg19) VCF-style: chr15-45400243-A-G.
Other names: c.1574+2T>C (NM_014080.5).
Identifiers: ClinVar variation 1067801 (VCV001067801.7), dbSNP rs1255838105, ClinGen allele CA392276065.

ClinVar aggregate classification (germline): Likely pathogenic (1 of 4 stars; one submission).

Allele frequency attached by ClinVar (database versions not stated): gnomAD exomes below 0.00001 and 0.00001; TOPMed 0.00001.
gnomAD v4.1: 3 of 1,613,878 alleles (0.00019%); highest among the groups gnomAD compares: Admixed American, 0.0033%; no homozygotes.

Submission:

Labcorp Genetics (formerly Invitae), Labcorp
Classification: Likely pathogenic. Last evaluated: 2024-08-12. Review status: criteria provided, single submitter. Criteria: Invitae Variant Classification Sherloc (09022015). Collection method: clinical testing. Allele origin: germline.
Comment: This sequence change affects a donor splice site in intron 13 of the DUOX2 gene. It is expected to disrupt RNA splicing. Variants that disrupt the donor or acceptor splice site typically lead to a loss of protein function (PMID: 16199547), and loss-of-function variants in DUOX2 are known to be pathogenic (PMID: 12110737, 18765513, 21565790, 24423310, 24735383). This variant is present in population databases (no rsID available, gnomAD 0.009%). This variant has not been reported in the literature in individuals affected with DUOX2-related conditions. ClinVar contains an entry for this variant (Variation ID: 1067801). Algorithms developed to predict the effect of sequence changes on RNA splicing suggest that this variant may disrupt the consensus splice site. In summary, the currently available evidence indicates that the variant is pathogenic, but additional data are needed to prove that conclusively. Therefore, this variant has been classified as Likely Pathogenic.

Literature cited by the submitters: PubMed 16199547; PubMed 12110737; PubMed 18765513; PubMed 21565790; PubMed 24423310; PubMed 24735383.